The following is an entry in ClinVar:

NM_001267550.2(TTN):c.47467G>A (p.Val15823Met)

Genes: TTN (titin; minus strand), TTN-AS1 (TTN antisense RNA 1; plus strand). Cytogenetic location: 2q31.2.
Variant type: single nucleotide variant.
Coding change: c.47467G>A on transcript NM_001267550.2 (MANE Select); coding-DNA position 47467, G replaced by A.
Protein change: p.Val15823Met; replaces valine 15823 with methionine.
Molecular consequence: missense variant.
Genome position (GRCh38, 1-based): chr2:178,617,884, C>T on the plus strand (G>A on the coding strand, the complement: TTN is on the minus strand). VCF-style: chr2-178617884-C-T. GRCh37 (hg19) VCF-style: chr2-179482611-C-T.
Other names: p.Val14182Met; c.42544G>A, p.Val14182Met (NM_001256850.1); c.20272G>A, p.Val6758Met (NM_003319.4); c.39763G>A, p.Val13255Met (NM_133378.4); c.20647G>A, p.Val6883Met (NM_133432.3); c.20848G>A, p.Val6950Met (NM_133437.4); short protein forms V14182M, V6883M, V6950M, V13255M, V15823M, V6758M.
Identifiers: ClinVar variation 4540736 (VCV004540736.2).

ClinVar aggregate classification (germline): Uncertain significance. Review status: criteria provided, multiple submitters, no conflicts (2 of 4 stars). 2 submissions from 2 submitters: Uncertain significance (2). Last evaluated 2026-02-14.

Conditions:
TTN-related disorder. Also called: TTN-related condition; TTN-related disease; TTN-related disorders.

gnomAD v4.1: 28 of 1,612,596 alleles (0.0017%); highest among the groups gnomAD compares: Non-Finnish European, 0.0023%; no homozygotes.

Submissions (2):

PreventionGenetics, part of Exact Sciences
Classification: Uncertain significance for TTN-related condition. Last evaluated: 2026-02-14. Review status: criteria provided, single submitter. Criteria: ACMG Guidelines, 2015. Collection method: clinical testing. Allele origin: germline.
Comment: The TTN c.47467G>A variant is predicted to result in the amino acid substitution p.Val15823Met. To our knowledge, this variant has not been reported in the literature. This variant is reported in 0.0065% of alleles in individuals of African descent in gnomAD. At this time, the clinical significance of this variant is uncertain due to the absence of conclusive functional and genetic evidence.

Mayo Clinic Laboratories, Mayo Clinic
Classification: Uncertain significance. Last evaluated: 2025-01-12. Review status: criteria provided, single submitter. Criteria: ACMG Guidelines, 2015. Collection method: clinical testing. Allele origin: germline. Observed: 1 variant allele.